The following is an entry in ClinVar:

NM_015346.4(ZFYVE26):c.1093del (p.Leu365fs)

Gene: ZFYVE26 (zinc finger FYVE-type containing 26; minus strand). Cytogenetic location: 14q24.1.
Variant type: Deletion.
Coding change: c.1093del on transcript NM_015346.4 (MANE Select); coding-DNA position 1093, one base deleted (C; older notation c.1093delC).
Protein change: p.Leu365fs; shifts the reading frame from leucine 365.
Molecular consequence: frameshift variant.
Genome position (GRCh38, 1-based): chr14:67,805,543, G deleted on the plus strand (C on the coding strand, the reverse complement: ZFYVE26 is on the minus strand); the first of 4 consecutive G bases (chr14:67,805,543-67,805,546); deleting any one gives the same sequence. VCF-style (leftmost placement, unchanged base first): chr14-67805542-AG-A. GRCh37 (hg19) VCF-style: chr14-68272259-AG-A.
Other names: short protein forms L365fs.
Identifiers: ClinVar variation 2865368 (VCV002865368.5), dbSNP rs750665937, ClinGen allele CA7240615.

ClinVar aggregate classification (germline): Pathogenic. Review status: criteria provided, multiple submitters, no conflicts (2 of 4 stars). 3 submissions from 3 submitters: Pathogenic (3). Last evaluated 2023-07-25.

Conditions:
Hereditary spastic paraplegia 15 (SPG15). Also called: SPASTIC PARAPLEGIA 15, AUTOSOMAL RECESSIVE; KJELLIN SYNDROME; SPASTIC PARAPLEGIA AND RETINAL DEGENERATION. Identifiers: Orphanet 100996, MedGen C1849128, MONDO:0010044, OMIM 270700.
Spastic paraplegia. Identifiers: MedGen C0037772, HP:0001258.
Congenital myopathy. Identifiers: Orphanet 97245, MedGen C0270960, MONDO:0019952.

Submissions (3):

3billion
Classification: Pathogenic for Hereditary spastic paraplegia 15. Last evaluated: 2023-07-25. Review status: criteria provided, single submitter. Criteria: ACMG Guidelines, 2015. Collection method: clinical testing. Allele origin: germline. Affected: yes.
Comment: The variant is observed at an extremely low frequency in the gnomAD v2.1.1 dataset (total allele frequency: 0.001%). Predicted Consequence/Location: Frameshift: predicted to result in a loss or disruption of normal protein function through nonsense-mediated decay (NMD) or protein truncation. Multiple pathogenic variants are reported downstream of the variant. Therefore, this variant is classified as Pathogenic according to the recommendation of ACMG/AMP guideline.

Labcorp Genetics (formerly Invitae), Labcorp
Classification: Pathogenic for Spastic paraplegia. Last evaluated: 2023-05-18. Review status: criteria provided, single submitter. Criteria: Invitae Variant Classification Sherloc (09022015). Collection method: clinical testing. Allele origin: germline.
Comment: This sequence change creates a premature translational stop signal (p.Leu365Serfs*16) in the ZFYVE26 gene. It is expected to result in an absent or disrupted protein product. Loss-of-function variants in ZFYVE26 are known to be pathogenic (PMID: 18394578, 19805727). For these reasons, this variant has been classified as Pathogenic. This variant has not been reported in the literature in individuals affected with ZFYVE26-related conditions. This variant is present in population databases (rs750665937, gnomAD 0.006%).

Cambridge Genomics Laboratory, East Genomic Laboratory Hub, NHS Genomic Medicine Service
Classification: Pathogenic for Congenital myopathy. Last evaluated: 2019-10-09. Review status: criteria provided, single submitter. Criteria: ACGS Best Practice Guidelines for Variant Classification in Rare Disease 2020. Collection method: clinical testing. Allele origin: germline. Affected: yes. Observed: 1 variant allele.

Literature cited by the submitters: PubMed 18394578 (cited by Labcorp Genetics (formerly Invitae), Labcorp); PubMed 19805727 (cited by Labcorp Genetics (formerly Invitae), Labcorp).